The following is an entry in ClinVar:

NM_000540.3(RYR1):c.3796C>G (p.Pro1266Ala)

Gene: RYR1 (ryanodine receptor 1; plus strand). Cytogenetic location: 19q13.2.
Variant type: single nucleotide variant.
Coding change: c.3796C>G on transcript NM_000540.3 (MANE Select); coding-DNA position 3796, C replaced by G.
Protein change: p.Pro1266Ala; replaces proline 1266 with alanine.
Molecular consequence: missense variant.
Genome position (GRCh38, 1-based): chr19:38,473,407, C>G. VCF-style: chr19-38473407-C-G. GRCh37 (hg19) VCF-style: chr19-38964047-C-G.
Other names: c.3796C>G, p.Pro1266Ala (NM_001042723.2); short protein forms P1266A.
Identifiers: ClinVar variation 3073285 (VCV003073285.1), dbSNP rs1268431994, ClinGen allele CA405641455.
Genomic context (GRCh38, chr19:38,473,407, plus strand): 5'-AGCCCAGTACTCCATTCCCTGCCACCTCAGGTATCCCGAGTGGACGGCACTGTGGACACG[C>G]CCCCCTGCCTGCGCCTGACCCACCGCACCTGGGGCTCCCAGAACAGCCTGGTGGAGATGC-3'
Protein context (NP_000531.2, residues 1256-1276): VSRVDGTVDT[Pro1266Ala]PCLRLTHRTW

ClinVar aggregate classification (germline): Uncertain significance (1 of 4 stars; one submission).

Conditions:
Malignant hyperthermia, susceptibility to, 1 (MHS1). Also called: Anesthesia related hyperthermia; Malignant hyperpyrexia; Fulminating hyperpyrexia; Pharmacogenic myopathy; RYR1-Related Malignant Hyperthermia Susceptibility; Malignant hyperthermia suceptibility 1. Identifiers: Orphanet 423, MedGen C2930980, MONDO:0007783, OMIM 145600.

Submission:

All of Us Research Program, National Institutes of Health
Classification: Uncertain significance for Malignant hyperthermia, susceptibility to, 1. Last evaluated: 2023-09-04. Review status: criteria provided, single submitter. Criteria: ACMG Guidelines, 2015. Collection method: clinical testing. Allele origin: germline. Inheritance: Autosomal dominant inheritance. Observed: 1 variant allele, 1 heterozygote.
Comment: This missense variant replaces proline with alanine at codon 1266 of the RYR1 protein. Computational prediction suggests that this variant may not impact protein structure and function (internally defined REVEL score threshold <= 0.5, PMID: 27666373). To our knowledge, functional studies have not been reported for this variant. This variant has not been reported in individuals affected with RYR1-related disorders in the literature. This variant has not been identified in the general population by the Genome Aggregation Database (gnomAD). The available evidence is insufficient to determine the role of this variant in disease conclusively. Therefore, this variant is classified as a Variant of Uncertain Significance.

This study involves interpretation of variants in research participants for the purpose of population health screening. Participant phenotype was not available at the time of variant classification. Additional details can be found in publication PMID: 35346344, PMCID: PMC8962531